The following is an entry in ClinVar:

ClinVar aggregate classification (germline): Likely benign (1 of 4 stars; one submission).

Allele frequency attached by ClinVar (database versions not stated): ExAC 0.00001; gnomAD 0.00004; TOPMed 0.00004.
gnomAD v4.1: 31 of 1,612,548 alleles (0.0019%); highest among the groups gnomAD compares: African/African-American, 0.012%; no homozygotes.

Submission:

CeGaT Center for Human Genetics Tuebingen
Classification: Likely benign. Last evaluated: 2022-05-01. Review status: criteria provided, single submitter. Criteria: CeGaT Center For Human Genetics Tuebingen Variant Classification Criteria Version 2. Collection method: clinical testing. Allele origin: germline. Affected: yes. Observed: 1 variant allele.
Comment: PHRF1: BP4, BP7

NM_001286581.2(PHRF1):c.1182G>A (p.Ala394=)

Gene: PHRF1 (PHD and ring finger domains 1; plus strand). Cytogenetic location: 11p15.5.
Variant type: single nucleotide variant.
Coding change: c.1182G>A on transcript NM_001286581.2 (MANE Select); coding-DNA position 1182, G replaced by A.
Protein change: p.Ala394=; no amino-acid change (alanine 394 retained).
Molecular consequence: synonymous variant.
Genome position (GRCh38, 1-based): chr11:605,148, G>A. VCF-style: chr11-605148-G-A. GRCh37 (hg19) VCF-style: chr11-605148-G-A.
Other names: c.1179G>A, p.Ala393= (NM_001286582.2); c.1170G>A, p.Ala390= (NM_001286583.2); c.1182G>A, p.Ala394= (NM_020901.4).
Identifiers: ClinVar variation 2641076 (VCV002641076.24), dbSNP rs764761550, ClinGen allele CA5782117.